The following is an entry in ClinVar:

ClinVar aggregate classification (germline): Uncertain significance (1 of 4 stars; one submission).

Conditions:
Catecholaminergic polymorphic ventricular tachycardia 1. Also called: VENTRICULAR TACHYCARDIA, STRESS-INDUCED POLYMORPHIC 1; VENTRICULAR TACHYCARDIA, CATECHOLAMINERGIC POLYMORPHIC, 1, WITH OR WITHOUT ATRIAL DYSFUNCTION AND/OR DILATED CARDIOMYOPATHY; RYR2-Related Catecholaminergic Polymorphic Ventricular Tachycardia. Identifiers: Orphanet 3286, MedGen C1631597, MONDO:0011484, OMIM 604772.

Submission:

Labcorp Genetics (formerly Invitae), Labcorp
Classification: Uncertain significance for Catecholaminergic polymorphic ventricular tachycardia 1. Last evaluated: 2024-05-28. Review status: criteria provided, single submitter. Criteria: Invitae Variant Classification Sherloc (09022015). Collection method: clinical testing. Allele origin: germline.
Comment: This sequence change replaces leucine, which is neutral and non-polar, with valine, which is neutral and non-polar, at codon 4578 of the RYR2 protein (p.Leu4578Val). This variant is not present in population databases (gnomAD no frequency). This variant has not been reported in the literature in individuals affected with RYR2-related conditions. Advanced modeling of protein sequence and biophysical properties (such as structural, functional, and spatial information, amino acid conservation, physicochemical variation, residue mobility, and thermodynamic stability) performed at Invitae indicates that this missense variant is not expected to disrupt RYR2 protein function with a negative predictive value of 95%. In summary, the available evidence is currently insufficient to determine the role of this variant in disease. Therefore, it has been classified as a Variant of Uncertain Significance.

NM_001035.3(RYR2):c.13732C>G (p.Leu4578Val)

Gene: RYR2 (ryanodine receptor 2; plus strand). Cytogenetic location: 1q43.
Variant type: single nucleotide variant.
Coding change: c.13732C>G on transcript NM_001035.3 (MANE Select); coding-DNA position 13732, C replaced by G.
Protein change: p.Leu4578Val; replaces leucine 4578 with valine.
Molecular consequence: missense variant.
Genome position (GRCh38, 1-based): chr1:237,792,273, C>G. VCF-style: chr1-237792273-C-G. GRCh37 (hg19) VCF-style: chr1-237955573-C-G.
Other names: short protein forms L4578V.
Identifiers: ClinVar variation 3705825 (VCV003705825.2).